The following is an entry in ClinVar:

NM_007294.4(BRCA1):c.3955G>A (p.Gly1319Ser)

Genes: BRCA1 (BRCA1 DNA repair associated; minus strand), LOC126862571 (BRD4-independent group 4 enhancer GRCh37_chr17:41243136-41244335; plus strand). Cytogenetic location: 17q21.31.
Variant type: single nucleotide variant.
Coding change: c.3955G>A on transcript NM_007294.4 (MANE Select); coding-DNA position 3955, G replaced by A.
Protein change: p.Gly1319Ser; replaces glycine 1319 with serine.
Molecular consequence: missense variant. On other transcripts: intron variant (135).
Genome position (GRCh38, 1-based): chr17:43,091,576, C>T on the plus strand (G>A on the coding strand, the complement: BRCA1 is on the minus strand). VCF-style: chr17-43091576-C-T. GRCh37 (hg19) VCF-style: chr17-41243593-C-T.
Other names: 4074G>A; c.671-544G>A (NM_001408418.1, NM_001408423.1, NM_001408420.1 and 2 more transcripts); c.788-544G>A (NM_001407981.1, NM_007298.4, NM_001407978.1 and 17 more transcripts); c.644-544G>A (NM_001408462.1, NM_001408470.1, NM_001408464.1 and 3 more transcripts); c.710-544G>A (NM_001408414.1, NM_001408411.1, NM_001408415.1 and 2 more transcripts); c.578-544G>A (NM_001408514.1, NM_001408485.1, NM_001408483.1 and 9 more transcripts); c.662-544G>A (NM_001408447.1, NM_001408433.1, NM_001408446.1 and 6 more transcripts); c.785-544G>A (NM_001408400.1, NM_001408392.1, NM_001407986.1 and 13 more transcripts); and 42 more; short protein forms G1319S, G1272S, G1151S, G1191S, G1230S, G1271S, G1278S, G1292S.
Identifiers: ClinVar variation 96922 (VCV000096922.20), dbSNP rs431825403, ClinGen allele CA002532.

ClinVar aggregate classification (germline): Conflicting classifications of pathogenicity. Review status: criteria provided, conflicting classifications (1 of 4 stars). 6 submissions from 6 submitters: Uncertain significance (3); Likely benign (1). 2 of the submissions do not count toward it. Last evaluated 2023-05-04.

Conditions:
Hereditary cancer-predisposing syndrome. Also called: Hereditary Cancer Syndrome; Neoplastic Syndromes, Hereditary; Hereditary neoplastic syndrome; Tumor predisposition. Identifiers: Orphanet 140162, MedGen C0027672, MeSH D009386, MONDO:0015356.
Breast-ovarian cancer, familial, susceptibility to, 1 (BROVCA1). Also called: BRCA1 Hereditary Breast and Ovarian Cancer; OVARIAN CANCER, SUSCEPTIBILITY TO. Identifiers: Orphanet 145, MedGen C2676676, MONDO:0011450, OMIM 604370. Disease mechanism: loss of function.
Hereditary breast ovarian cancer syndrome. Also called: Hereditary breast and/or ovarian cancer syndrome; Hereditary breast and ovarian cancer syndrome; Hereditary breast and ovarian cancer; Hereditary breast and ovarian cancer syndrome (HBOC); Breast and ovarian cancer; BRCA1- and BRCA2-Associated Hereditary Breast and Ovarian Cancer. Identifiers: Orphanet 145, MedGen C0677776, MeSH D061325, MONDO:0003582. Disease mechanism: loss of function.

Submissions (6):

Labcorp Genetics (formerly Invitae), Labcorp
Classification: Uncertain significance for Hereditary breast ovarian cancer syndrome. Last evaluated: 2023-05-04. Review status: criteria provided, single submitter. Criteria: Invitae Variant Classification Sherloc (09022015). Collection method: clinical testing. Allele origin: germline.
Comment: In summary, the available evidence is currently insufficient to determine the role of this variant in disease. Therefore, it has been classified as a Variant of Uncertain Significance. Advanced modeling of protein sequence and biophysical properties (such as structural, functional, and spatial information, amino acid conservation, physicochemical variation, residue mobility, and thermodynamic stability) performed at Invitae indicates that this missense variant is not expected to disrupt BRCA1 protein function. ClinVar contains an entry for this variant (Variation ID: 96922). This variant has not been reported in the literature in individuals affected with BRCA1-related conditions. This variant is not present in population databases (gnomAD no frequency). This sequence change replaces glycine, which is neutral and non-polar, with serine, which is neutral and polar, at codon 1319 of the BRCA1 protein (p.Gly1319Ser).

University of Washington Department of Laboratory Medicine, University of Washington
Classification: Likely benign for Hereditary cancer-predisposing syndrome. Last evaluated: 2023-03-23. Review status: criteria provided, single submitter. Criteria: Dines et al. (Genet Med. 2020). Collection method: curation. Allele origin: germline.
Comment: Missense variant in a coldspot region where missense variants are very unlikely to be pathogenic (PMID:31911673).

BRCA1 coldspot (exon 11 using historical exon numbering). Reclassification based on statistical prior probability

Ambry Genetics
Classification: Uncertain significance for Hereditary cancer-predisposing syndrome. Last evaluated: 2020-09-26. Review status: criteria provided, single submitter. Criteria: Ambry Variant Classification Scheme 2023. Collection method: clinical testing. Allele origin: germline.
Comment: The p.G1319S variant (also known as c.3955G>A), located in coding exon 9 of the BRCA1 gene, results from a G to A substitution at nucleotide position 3955. The glycine at codon 1319 is replaced by serine, an amino acid with similar properties. This amino acid position is poorly conserved in available vertebrate species. In addition, this alteration is predicted to be tolerated by in silico analysis. Since supporting evidence is limited at this time, the clinical significance of this alteration remains unclear.

GeneDx
Classification: Uncertain significance. Last evaluated: 2019-09-13. Review status: criteria provided, single submitter. Criteria: GeneDx Variant Classification Process June 2021. Collection method: clinical testing. Allele origin: germline. Affected: yes.
Comment: Not observed in large population cohorts (Lek 2016); In silico analysis, which includes protein predictors and evolutionary conservation, supports that this variant does not alter protein structure/function; Has not been previously published as pathogenic or benign to our knowledge; Also known as 4074G>A

Sharing Clinical Reports Project (SCRP)
Classification: Uncertain significance for Breast-ovarian cancer, familial 1. Last evaluated: 2009-06-17. Review status: no assertion criteria provided. Collection method: clinical testing. Allele origin: germline. Not counted in ClinVar's aggregate classification.

Department of Pathology and Laboratory Medicine, Sinai Health System
Classification: Uncertain significance. Review status: no assertion criteria provided. Collection method: clinical testing. Allele origin: unknown. Affected: yes. Study: The Canadian Open Genetics Repository (COGR). Not counted in ClinVar's aggregate classification.
Comment: The BRCA1 p.G1319S variant was not identified in the literature nor was it identified in Cosmic. The variant was identified in dbSNP (ID: rs431825403) and ClinVar (classified as uncertain significance by Invitae and Sharing Clinical Reports Project). The variant was not identified in the following control databases: the 1000 Genomes Project, the NHLBI GO Exome Sequencing Project, or the Genome Aggregation Database (March 6, 2019, v2.1.1). The p.G1319 residue is not conserved in mammals and computational analyses (PolyPhen-2, SIFT, AlignGVGD, BLOSUM, MutationTaster) do not suggest a high likelihood of impact to the protein; however, this information is not predictive enough to rule out pathogenicity. The variant occurs outside of the splicing consensus sequence and 3 of 4 in silico or computational prediction software programs (SpliceSiteFinder, MaxEntScan, NNSPLICE, GeneSplicer) predict a greater than 10% difference in splicing. However, this has not been confirmed by RNA analysis and is not predictive enough to assume pathogenicity. In summary, based on the above information the clinical significance of this variant cannot be determined with certainty at this time. This variant is classified as a variant of uncertain significance.